The following is an entry in ClinVar:

ClinVar aggregate classification (germline): Uncertain significance (1 of 4 stars; one submission).

Allele frequency attached by ClinVar (database versions not stated): gnomAD 0.00001; gnomAD exomes 0.00002; TOPMed 0.00002.
gnomAD v4.1: 25 of 1,614,002 alleles (0.0015%); highest among the groups gnomAD compares: Non-Finnish European, 0.0019%; no homozygotes.

Submission:

Labcorp Genetics (formerly Invitae), Labcorp
Classification: Uncertain significance. Last evaluated: 2021-09-01. Review status: criteria provided, single submitter. Criteria: Invitae Variant Classification Sherloc (09022015). Collection method: clinical testing. Allele origin: germline.
Comment: This sequence change replaces alanine with threonine at codon 1251 of the TTLL5 protein (p.Ala1251Thr). The alanine residue is weakly conserved and there is a small physicochemical difference between alanine and threonine. This variant is not present in population databases (ExAC no frequency). This variant has not been reported in the literature in individuals affected with TTLL5-related conditions. Algorithms developed to predict the effect of missense changes on protein structure and function output the following: SIFT: "Tolerated"; PolyPhen-2: "Benign"; Align-GVGD: "Class C0". The threonine amino acid residue is found in multiple mammalian species, which suggests that this missense change does not adversely affect protein function. In summary, the available evidence is currently insufficient to determine the role of this variant in disease. Therefore, it has been classified as a Variant of Uncertain Significance.

NM_015072.5(TTLL5):c.3751G>A (p.Ala1251Thr)

Gene: TTLL5 (tubulin tyrosine ligase like 5; plus strand). Cytogenetic location: 14q24.3.
Variant type: single nucleotide variant.
Coding change: c.3751G>A on transcript NM_015072.5 (MANE Select); coding-DNA position 3751, G replaced by A.
Protein change: p.Ala1251Thr; replaces alanine 1251 with threonine.
Molecular consequence: missense variant.
Genome position (GRCh38, 1-based): chr14:75,902,152, G>A. VCF-style: chr14-75902152-G-A. GRCh37 (hg19) VCF-style: chr14-76368495-G-A.
Other names: short protein forms A1251T.
Identifiers: ClinVar variation 849781 (VCV000849781.7), dbSNP rs749147754, ClinGen allele CA263977895.